The following is an entry in ClinVar:

ClinVar aggregate classification (germline): Conflicting classifications of pathogenicity. Review status: criteria provided, conflicting classifications (1 of 4 stars). 5 submissions from 5 submitters: Uncertain significance (2); Likely benign (3). Last evaluated 2025-12-15.

Conditions:
Kabuki syndrome 2 (KABUK2). Also called: KDM6A-Related Kabuki Syndrome. Identifiers: Orphanet 2322, MedGen C3275495, MONDO:0010465, OMIM 300867.
Inborn genetic diseases. Identifiers: MedGen C0950123, MeSH D030342.

Allele frequency attached by ClinVar (database versions not stated): gnomAD exomes 0.00001; gnomAD 0.00003; TOPMed 0.00003.
gnomAD v4.1: 5 of 1,170,995 alleles (0.00043%); highest among the groups gnomAD compares: African/African-American, 0.0089%; no homozygotes.

Submissions (5):

Labcorp Genetics (formerly Invitae), Labcorp
Classification: Likely benign for Kabuki syndrome 2. Last evaluated: 2025-12-15. Review status: criteria provided, single submitter. Criteria: Invitae Variant Classification Sherloc (09022015). Collection method: clinical testing. Allele origin: germline.

Ambry Genetics
Classification: Likely benign for Inborn genetic diseases. Last evaluated: 2024-11-13. Review status: criteria provided, single submitter. Criteria: Ambry Variant Classification Scheme 2023. Collection method: clinical testing. Allele origin: germline.

Fulgent Genetics
Classification: Uncertain significance for Kabuki syndrome 2. Last evaluated: 2024-06-07. Review status: criteria provided, single submitter. Criteria: ACMG Guidelines, 2015. Collection method: clinical testing. Allele origin: germline.

Blueprint Genetics
Classification: Likely benign. Last evaluated: 2023-01-11. Review status: criteria provided, single submitter. Criteria: ACMG Guidelines, 2015. Collection method: clinical testing. Allele origin: germline.

GeneDx
Classification: Uncertain significance. Last evaluated: 2022-03-10. Review status: criteria provided, single submitter. Criteria: GeneDx Variant Classification Process June 2021. Collection method: clinical testing. Allele origin: germline. Affected: yes.
Comment: Has not been previously published as pathogenic or benign to our knowledge; In silico analysis supports that this missense variant has a deleterious effect on protein structure/function

NM_001291415.2(KDM6A):c.149G>A (p.Gly50Asp)

Genes: KDM6A (lysine demethylase 6A; plus strand), LOC130068183 (ATAC-STARR-seq lymphoblastoid silent region 20785; plus strand). Cytogenetic location: Xp11.3.
Variant type: single nucleotide variant.
Coding change: c.149G>A on transcript NM_001291415.2 (MANE Select); coding-DNA position 149, G replaced by A.
Protein change: p.Gly50Asp; replaces glycine 50 with aspartic acid.
Molecular consequence: missense variant. On other transcripts: 5 prime UTR variant (1), non-coding transcript variant (1).
Genome position (GRCh38, 1-based): chrX:44,873,700, G>A. VCF-style: chrX-44873700-G-A. GRCh37 (hg19) VCF-style: chrX-44732946-G-A.
Other names: c.149G>A (NM_021140.3); c.149G>A, p.Gly50Asp (NM_001291416.2, NM_001291417.2, NM_001291418.2 and 1 more transcripts); c.-484G>A (NM_001291421.2); short protein forms G50D.
Identifiers: ClinVar variation 1329722 (VCV001329722.10), dbSNP rs923984398, ClinGen allele CA329555544.